The following is an entry in ClinVar:

NM_001130987.2(DYSF):c.2809C>T (p.Arg937Cys)

Gene: DYSF (dysferlin; plus strand). Cytogenetic location: 2p13.2.
Variant type: single nucleotide variant.
Coding change: c.2809C>T on transcript NM_001130987.2 (MANE Select); coding-DNA position 2809, C replaced by T.
Protein change: p.Arg937Cys; replaces arginine 937 with cysteine.
Molecular consequence: missense variant.
Genome position (GRCh38, 1-based): chr2:71,568,283, C>T. VCF-style: chr2-71568283-C-T. GRCh37 (hg19) VCF-style: chr2-71795413-C-T.
Other names: c.2758C>T, p.Arg920Cys (NM_001130455.2, NM_001130983.2); c.2713C>T, p.Arg905Cys (NM_001130976.2, NM_001130977.2); c.2755C>T, p.Arg919Cys (NM_001130978.2, NM_003494.4); c.2848C>T, p.Arg950Cys (NM_001130979.2); c.2806C>T, p.Arg936Cys (NM_001130980.2, NM_001130981.2); c.2851C>T, p.Arg951Cys (NM_001130982.2); c.2716C>T, p.Arg906Cys (NM_001130984.2, NM_001130986.2); c.2809C>T, p.Arg937Cys (NM_001130985.2); short protein forms R905C, R906C, R920C, R936C, R951C, R919C, R937C, R950C.
Identifiers: ClinVar variation 1349065 (VCV001349065.5), dbSNP rs755270902, ClinGen allele CA1706286.

ClinVar aggregate classification (germline): Uncertain significance (1 of 4 stars; one submission).

Conditions:
Neuromuscular disease caused by qualitative or quantitative defects of dysferlin. Also called: Qualitative or quantitative defects of dysferlin; Dysferlinopathy. Identifiers: Orphanet 207073, MedGen C2931687, MONDO:0016145.

Allele frequency attached by ClinVar (database versions not stated): ExAC 0.00002; TOPMed 0.00002; gnomAD 0.00001; gnomAD exomes 0.00001.
gnomAD v4.1: 7 of 1,614,076 alleles (0.00043%); highest among the groups gnomAD compares: South Asian, 0.0033%; no homozygotes.

Submission:

Labcorp Genetics (formerly Invitae), Labcorp
Classification: Uncertain significance for Neuromuscular disease caused by qualitative or quantitative defects of dysferlin. Last evaluated: 2022-04-12. Review status: criteria provided, single submitter. Criteria: Invitae Variant Classification Sherloc (09022015). Collection method: clinical testing. Allele origin: germline.
Comment: This sequence change replaces arginine, which is basic and polar, with cysteine, which is neutral and slightly polar, at codon 919 of the DYSF protein (p.Arg919Cys). This variant is present in population databases (rs755270902, gnomAD 0.006%). This variant has not been reported in the literature in individuals affected with DYSF-related conditions. Advanced modeling of protein sequence and biophysical properties (such as structural, functional, and spatial information, amino acid conservation, physicochemical variation, residue mobility, and thermodynamic stability) performed at Invitae indicates that this missense variant is not expected to disrupt DYSF protein function. In summary, the available evidence is currently insufficient to determine the role of this variant in disease. Therefore, it has been classified as a Variant of Uncertain Significance.